The following is an entry in ClinVar:

NM_145038.5(DRC1):c.2099A>G (p.Glu700Gly)

Gene: DRC1 (dynein regulatory complex subunit 1; plus strand). Cytogenetic location: 2p23.3.
Variant type: single nucleotide variant.
Coding change: c.2099A>G on transcript NM_145038.5 (MANE Select); coding-DNA position 2099, A replaced by G.
Protein change: p.Glu700Gly; replaces glutamic acid 700 with glycine.
Molecular consequence: missense variant.
Genome position (GRCh38, 1-based): chr2:26,455,166, A>G. VCF-style: chr2-26455166-A-G. GRCh37 (hg19) VCF-style: chr2-26678034-A-G.
Other names: short protein forms E700G.
Identifiers: ClinVar variation 940402 (VCV000940402.10), dbSNP rs1347088566, ClinGen allele CA346123146.

ClinVar aggregate classification (germline): Uncertain significance (1 of 4 stars; one submission).

Conditions:
Primary ciliary dyskinesia. Also called: Ciliary dyskinesia. Identifiers: Orphanet 244, MedGen C0008780, MONDO:0016575, HP:0012265.

Allele frequency attached by ClinVar (database versions not stated): gnomAD exomes below 0.00001; gnomAD 0.00001; TOPMed 0.00001.
gnomAD v4.1: 3 of 1,613,950 alleles (0.00019%); highest among the groups gnomAD compares: African/African-American, 0.0013%; no homozygotes.

Submission:

Labcorp Genetics (formerly Invitae), Labcorp
Classification: Uncertain significance for Primary ciliary dyskinesia. Last evaluated: 2019-08-28. Review status: criteria provided, single submitter. Criteria: Invitae Variant Classification Sherloc (09022015). Collection method: clinical testing. Allele origin: germline.
Comment: Algorithms developed to predict the effect of missense changes on protein structure and function (SIFT, PolyPhen-2, Align-GVGD) all suggest that this variant is likely to be disruptive, but these predictions have not been confirmed by published functional studies and their clinical significance is uncertain. This variant has not been reported in the literature in individuals with DRC1-related conditions. This variant is not present in population databases (ExAC no frequency). This sequence change replaces glutamic acid with glycine at codon 700 of the DRC1 protein (p.Glu700Gly). The glutamic acid residue is highly conserved and there is a moderate physicochemical difference between glutamic acid and glycine. In summary, the available evidence is currently insufficient to determine the role of this variant in disease. Therefore, it has been classified as a Variant of Uncertain Significance.